The following is an entry in ClinVar:

ClinVar aggregate classification (germline): Pathogenic (1 of 4 stars; one submission).

Conditions:
Autosomal recessive polycystic kidney disease (ARPKD). Also called: AR polycystic kidney disease. Identifiers: Orphanet 731, Orphanet 8378, MedGen C0085548, MeSH D017044, MONDO:0009889.

Submission:

Women's Health and Genetics/Laboratory Corporation of America, LabCorp
Classification: Pathogenic for Autosomal recessive polycystic kidney disease. Last evaluated: 2024-01-12. Review status: criteria provided, single submitter. Criteria: LabCorp Variant Classification Summary - May 2015. Collection method: clinical testing. Allele origin: germline.
Comment: Variant summary: PKHD1 c.5538C>A (p.Cys1846X) results in a premature termination codon, predicted to cause a truncation of the encoded protein or absence of the protein due to nonsense mediated decay, which are commonly known mechanisms for disease. The variant was absent in 251272 control chromosomes. To our knowledge, no occurrence of c.5538C>A in individuals affected with Polycystic Kidney And Hepatic Disease and no experimental evidence demonstrating its impact on protein function have been reported. No submitters have cited clinical-significance assessments for this variant to ClinVar. Based on the evidence outlined above, the variant was classified as pathogenic.

NM_138694.4(PKHD1):c.5538C>A (p.Cys1846Ter)

Gene: PKHD1 (PKHD1 ciliary IPT domain containing fibrocystin/polyductin; minus strand). Cytogenetic location: 6p12.2.
Variant type: single nucleotide variant.
Coding change: c.5538C>A on transcript NM_138694.4 (MANE Select); coding-DNA position 5538, C replaced by A.
Protein change: p.Cys1846Ter; replaces cysteine 1846 with a stop codon.
Molecular consequence: nonsense.
Genome position (GRCh38, 1-based): chr6:52,017,472, G>T on the plus strand (C>A on the coding strand, the complement: PKHD1 is on the minus strand). VCF-style: chr6-52017472-G-T. GRCh37 (hg19) VCF-style: chr6-51882270-G-T.
Other names: c.5538C>A, p.Cys1846Ter (NM_170724.3); short protein forms C1846*.
Identifiers: ClinVar variation 3063897 (VCV003063897.1), dbSNP rs373244595, ClinGen allele CA364425578.